The following is an entry in ClinVar:

ClinVar aggregate classification (germline): Uncertain significance (1 of 4 stars; one submission).

Allele frequency attached by ClinVar (database versions not stated): TOPMed below 0.00001.
gnomAD v4.1: 4 of 1,515,440 alleles (0.00026%); highest among the groups gnomAD compares: African/African-American, 0.0028%; 1 homozygote.

Submission:

GeneDx
Classification: Uncertain significance. Last evaluated: 2024-11-18. Review status: criteria provided, single submitter. Criteria: GeneDx Variant Classification Process June 2021. Collection method: clinical testing. Allele origin: germline.
Comment: Not observed at significant frequency in large population cohorts (gnomAD); In silico analysis supports that this missense variant has a deleterious effect on protein structure/function; Has not been previously published as pathogenic or benign to our knowledge

NM_005883.3(APC2):c.3883C>T (p.Arg1295Trp)

Gene: APC2 (APC regulator of Wnt signaling pathway 2; plus strand). Cytogenetic location: 19p13.3.
Variant type: single nucleotide variant.
Coding change: c.3883C>T on transcript NM_005883.3 (MANE Select); coding-DNA position 3883, C replaced by T.
Protein change: p.Arg1295Trp; replaces arginine 1295 with tryptophan.
Molecular consequence: missense variant.
Genome position (GRCh38, 1-based): chr19:1,467,184, C>T. VCF-style: chr19-1467184-C-T. GRCh37 (hg19) VCF-style: chr19-1467183-C-T.
Other names: c.3880C>T, p.Arg1294Trp (NM_001351273.1); short protein forms R1294W, R1295W.
Identifiers: ClinVar variation 2499940 (VCV002499940.2), dbSNP rs1409894381, ClinGen allele CA403033364.
Genomic context (GRCh38, chr19:1,467,184, plus strand): 5'-GCCTCCAGCCTCAGCGCGCTGGCCTTGCACGAGCACTACGTGCAGCAGGACGTGGAGCTG[C>T]GGCTGCTGCCCTCGGCCTGCCCCGAGCGCGGCGGGGGCGCCGGGGGCGCCGGCCTCCACT-3'
Protein context (NP_005874.1, residues 1285-1305): EHYVQQDVEL[Arg1295Trp]LLPSACPERG